The following is an entry in ClinVar:

NM_015015.3(KDM4B):c.480G>T (p.Met160Ile)

Gene: KDM4B (lysine demethylase 4B; plus strand). Cytogenetic location: 19p13.3.
Variant type: single nucleotide variant.
Coding change: c.480G>T on transcript NM_015015.3 (MANE Select); coding-DNA position 480, G replaced by T.
Protein change: p.Met160Ile; replaces methionine 160 with isoleucine.
Molecular consequence: missense variant.
Genome position (GRCh38, 1-based): chr19:5,047,523, G>T. VCF-style: chr19-5047523-G-T. GRCh37 (hg19) VCF-style: chr19-5047534-G-T.
Other names: c.480G>T, p.Met160Ile (NM_001370093.1, NM_001370094.1, NM_001411148.1); short protein forms M160I.
Identifiers: ClinVar variation 4721360 (VCV004721360.1).

ClinVar aggregate classification (germline): Uncertain significance (1 of 4 stars; one submission).

Submission:

Labcorp Genetics (formerly Invitae), Labcorp
Classification: Uncertain significance. Last evaluated: 2025-06-12. Review status: criteria provided, single submitter. Criteria: Invitae Variant Classification Sherloc (09022015). Collection method: clinical testing. Allele origin: germline.
Comment: This sequence change replaces methionine, which is neutral and non-polar, with isoleucine, which is neutral and non-polar, at codon 160 of the KDM4B protein (p.Met160Ile). This variant is not present in population databases (gnomAD no frequency). This variant has not been reported in the literature in individuals affected with KDM4B-related conditions. An algorithm developed to predict the effect of missense changes on protein structure and function (PolyPhen-2) suggests that this variant is likely to be tolerated. In summary, the available evidence is currently insufficient to determine the role of this variant in disease. Therefore, it has been classified as a Variant of Uncertain Significance.